The following is an entry in ClinVar:

ClinVar aggregate classification (germline): Likely benign. Review status: criteria provided, multiple submitters, no conflicts (2 of 4 stars). 2 submissions from 2 submitters: Likely benign (2). Last evaluated 2024-03-21.

Conditions:
Arrhythmogenic right ventricular cardiomyopathy (ARVD). Also called: Arrhythmogenic right ventricular dysplasia; Cardiomyopathy, ARVC; Arrhythmogenic cardiomyopathy; Arrhythmogenic Right Ventricular Cardiomyopathy (ARVC). Identifiers: Orphanet 247, MedGen C0349788, MeSH D019571, MONDO:0016587. Disease mechanism: loss of function. Inheritance: Various modes of inheritance.
Arrhythmogenic right ventricular dysplasia 10. Also called: ARRHYTHMOGENIC RIGHT VENTRICULAR DYSPLASIA, FAMILIAL, 10; Arrhythmogenic Right Ventricular Dysplasia/Cardiomyopathy10; Arrhythmogenic right ventricular dysplasia/cardiomyopathy, type 10. Identifiers: MedGen C1857777, MONDO:0012434, OMIM 610193.

Submissions (2):

Labcorp Genetics (formerly Invitae), Labcorp
Classification: Likely benign for Arrhythmogenic right ventricular dysplasia 10. Last evaluated: 2024-03-21. Review status: criteria provided, single submitter. Criteria: Invitae Variant Classification Sherloc (09022015). Collection method: clinical testing. Allele origin: germline.

All of Us Research Program, National Institutes of Health
Classification: Likely benign for Arrhythmogenic right ventricular cardiomyopathy. Last evaluated: 2023-08-15. Review status: criteria provided, single submitter. Criteria: ACMG Guidelines, 2015. Collection method: clinical testing. Allele origin: germline. Inheritance: Autosomal dominant inheritance. Observed: 1 variant allele, 1 heterozygote.
Comment: This study involves interpretation of variants in research participants for the purpose of population health screening. Participant phenotype was not available at the time of variant classification. Additional details can be found in publication PMID: 35346344, PMCID: PMC8962531

NM_001943.5(DSG2):c.3315C>G (p.Thr1105=)

Genes: DSG2 (desmoglein 2; plus strand), DSG2-AS1 (DSG2 antisense RNA 1; minus strand). Cytogenetic location: 18q12.1.
Variant type: single nucleotide variant.
Coding change: c.3315C>G on transcript NM_001943.5 (MANE Select); coding-DNA position 3315, C replaced by G.
Protein change: p.Thr1105=; no amino-acid change (threonine 1105 retained).
Molecular consequence: synonymous variant.
Genome position (GRCh38, 1-based): chr18:31,546,701, C>G. VCF-style: chr18-31546701-C-G. GRCh37 (hg19) VCF-style: chr18-29126664-C-G.
Identifiers: ClinVar variation 3072680 (VCV003072680.3), dbSNP rs2510922913, ClinGen allele CA503767203.